The following is an entry in ClinVar:

ClinVar aggregate classification (germline): Uncertain significance (1 of 4 stars; one submission).

Conditions:
Microcephaly-intellectual disability-sensorineural hearing loss-epilepsy-abnormal muscle tone syndrome (NEDHSB). Also called: NEURODEVELOPMENTAL DISORDER WITH HEARING LOSS, SEIZURES, AND BRAIN ABNORMALITIES. Identifiers: Orphanet 457351, MedGen C4225276, MONDO:0014698, OMIM 616577.

gnomAD v4.1: 20 of 1,614,228 alleles (0.0012%); highest among the groups gnomAD compares: Non-Finnish European, 0.0017%; no homozygotes.

Submission:

Labcorp Genetics (formerly Invitae), Labcorp
Classification: Uncertain significance for Microcephaly-intellectual disability-sensorineural hearing loss-epilepsy-abnormal muscle tone syndrome. Last evaluated: 2022-10-13. Review status: criteria provided, single submitter. Criteria: Invitae Variant Classification Sherloc (09022015). Collection method: clinical testing. Allele origin: germline.
Comment: In summary, the available evidence is currently insufficient to determine the role of this variant in disease. Therefore, it has been classified as a Variant of Uncertain Significance. Advanced modeling of protein sequence and biophysical properties (such as structural, functional, and spatial information, amino acid conservation, physicochemical variation, residue mobility, and thermodynamic stability) performed at Invitae indicates that this missense variant is not expected to disrupt SPATA5 protein function. ClinVar contains an entry for this variant (Variation ID: 1413998). This variant has not been reported in the literature in individuals affected with SPATA5-related conditions. This variant is not present in population databases (gnomAD no frequency). This sequence change replaces glycine, which is neutral and non-polar, with valine, which is neutral and non-polar, at codon 593 of the SPATA5 protein (p.Gly593Val).

NM_145207.3(AFG2A):c.1778G>T (p.Gly593Val)

Gene: AFG2A (AAA ATPase AFG2A; plus strand). Cytogenetic location: 4q28.1.
Variant type: single nucleotide variant.
Coding change: c.1778G>T on transcript NM_145207.3 (MANE Select); coding-DNA position 1778, G replaced by T.
Protein change: p.Gly593Val; replaces glycine 593 with valine.
Molecular consequence: missense variant.
Genome position (GRCh38, 1-based): chr4:122,979,295, G>T. VCF-style: chr4-122979295-G-T. GRCh37 (hg19) VCF-style: chr4-123900450-G-T.
Other names: c.1775G>T, p.Gly592Val (NM_001317799.2, NM_001345856.2); short protein forms G592V, G593V.
Identifiers: ClinVar variation 1413998 (VCV001413998.5), dbSNP rs2125831557, ClinGen allele CA358093446.